The following is an entry in ClinVar:

ClinVar aggregate classification (germline): Likely benign (1 of 4 stars; one submission).

gnomAD v4.1: 61 of 1,613,980 alleles (0.0038%); highest among the groups gnomAD compares: Middle Eastern, 0.049%; no homozygotes.

Submission:

CeGaT Center for Human Genetics Tuebingen
Classification: Likely benign. Last evaluated: 2025-10-01. Review status: criteria provided, single submitter. Criteria: CeGaT Center For Human Genetics Tuebingen Variant Classification Criteria Version 2. Collection method: clinical testing. Allele origin: germline. Affected: yes. Observed: 1 variant allele.
Comment: TNR: BP4, BP7

NM_003285.3(TNR):c.2781C>T (p.Thr927=)

Gene: TNR (tenascin R; minus strand). Cytogenetic location: 1q25.1.
Variant type: single nucleotide variant.
Coding change: c.2781C>T on transcript NM_003285.3 (MANE Select); coding-DNA position 2781, C replaced by T.
Protein change: p.Thr927=; no amino-acid change (threonine 927 retained).
Molecular consequence: synonymous variant.
Genome position (GRCh38, 1-based): chr1:175,362,736, G>A on the plus strand (C>T on the coding strand, the complement: TNR is on the minus strand). VCF-style: chr1-175362736-G-A. GRCh37 (hg19) VCF-style: chr1-175331872-G-A.
Other names: c.1782C>T, p.Thr594= (NM_001328635.2).
Identifiers: ClinVar variation 4534088 (VCV004534088.6).